The following is an entry in ClinVar:

ClinVar aggregate classification (germline): Uncertain significance (1 of 4 stars; one submission).

Submission:

Labcorp Genetics (formerly Invitae), Labcorp
Classification: Uncertain significance. Last evaluated: 2025-04-30. Review status: criteria provided, single submitter. Criteria: Invitae Variant Classification Sherloc (09022015). Collection method: clinical testing. Allele origin: germline.
Comment: This sequence change replaces serine, which is neutral and polar, with asparagine, which is neutral and polar, at codon 399 of the ZNF341 protein (p.Ser399Asn). This variant is not present in population databases (gnomAD no frequency). This variant has not been reported in the literature in individuals affected with ZNF341-related conditions. An algorithm developed to predict the effect of missense changes on protein structure and function outputs the following: PolyPhen-2: "Benign". The asparagine amino acid residue is found in multiple mammalian species, which suggests that this missense change does not adversely affect protein function. In summary, the available evidence is currently insufficient to determine the role of this variant in disease. Therefore, it has been classified as a Variant of Uncertain Significance.

NM_001282933.2(ZNF341):c.1217G>A (p.Ser406Asn)

Gene: ZNF341 (zinc finger protein 341; plus strand). Cytogenetic location: 20q11.22.
Variant type: single nucleotide variant.
Coding change: c.1217G>A on transcript NM_001282933.2 (MANE Select); coding-DNA position 1217, G replaced by A.
Protein change: p.Ser406Asn; replaces serine 406 with asparagine.
Molecular consequence: missense variant. On other transcripts: non-coding transcript variant (1).
Genome position (GRCh38, 1-based): chr20:33,762,050, G>A. VCF-style: chr20-33762050-G-A. GRCh37 (hg19) VCF-style: chr20-32349856-G-A.
Other names: c.947G>A, p.Ser316Asn (NM_001282935.2); c.1196G>A, p.Ser399Asn (NM_032819.5); short protein forms S406N, S316N, S399N.
Identifiers: ClinVar variation 4768753 (VCV004768753.1).